The following is an entry in ClinVar:

ClinVar aggregate classification (germline): Likely benign. Review status: criteria provided, single submitter (1 of 4 stars). 2 submissions from 2 submitters: Likely benign (1). 1 of the submissions does not count toward it. Last evaluated 2025-12-30.

Conditions:
Glutamate formiminotransferase deficiency. Also called: Formiminoglutamic aciduria; Arakawa syndrome 1. Identifiers: Orphanet 51208, MedGen C0268609, MONDO:0009240, OMIM 229100.
FTCD-related disorder. Also called: FTCD-related condition.

Allele frequency attached by ClinVar (database versions not stated): gnomAD exomes 0.00005 and 0.00006; gnomAD 0.00054 and 0.00057; TOPMed 0.00073; 1000 Genomes Project 0.00100; 1000 Genomes Project 30x 0.00109.
gnomAD v4.1: 165 of 1,500,830 alleles (0.011%); highest among the groups gnomAD compares: African/African-American, 0.2%; 1 homozygote.

Submissions (2):

Labcorp Genetics (formerly Invitae), Labcorp
Classification: Likely benign for Glutamate formiminotransferase deficiency. Last evaluated: 2025-12-30. Review status: criteria provided, single submitter. Criteria: Invitae Variant Classification Sherloc (09022015). Collection method: clinical testing. Allele origin: germline.

PreventionGenetics, part of Exact Sciences
Classification: Likely benign for FTCD-related condition. Last evaluated: 2020-04-28. Review status: no assertion criteria provided. Collection method: clinical testing. Allele origin: germline. Not counted in ClinVar's aggregate classification.
Comment: This variant is classified as likely benign based on ACMG/AMP sequence variant interpretation guidelines (Richards et al. 2015 PMID: 25741868, with internal and published modifications).

NM_206965.2(FTCD):c.999A>C (p.Arg333=)

Gene: FTCD (formimidoyltransferase cyclodeaminase; minus strand). Cytogenetic location: 21q22.3.
Variant type: single nucleotide variant.
Coding change: c.999A>C on transcript NM_206965.2 (MANE Select); coding-DNA position 999, A replaced by C.
Protein change: p.Arg333=; no amino-acid change (arginine 333 retained).
Molecular consequence: synonymous variant.
Genome position (GRCh38, 1-based): chr21:46,145,917, T>G on the plus strand (A>C on the coding strand, the complement: FTCD is on the minus strand). VCF-style: chr21-46145917-T-G. GRCh37 (hg19) VCF-style: chr21-47565831-T-G.
Other names: c.999A>C, p.Arg333= (NM_001320412.2, NM_006657.3); c.999A>C (NM_001320412.1).
Identifiers: ClinVar variation 1134066 (VCV001134066.11), dbSNP rs565210074, ClinGen allele CA10073625.